The following is an entry in ClinVar:

ClinVar aggregate classification (germline): Likely benign. Review status: criteria provided, multiple submitters, no conflicts (2 of 4 stars). 2 submissions from 2 submitters: Likely benign (2). Last evaluated 2026-03-17.

Conditions:
FBXO7-related disorder. Also called: FBXO7-related condition.
Parkinsonian-pyramidal syndrome. Also called: PALLIDOPYRAMIDAL SYNDROME; PARKINSON DISEASE 15, AUTOSOMAL RECESSIVE EARLY-ONSET; PARKINSON DISEASE 15, AUTOSOMAL RECESSIVE. Identifiers: Orphanet 171695, MedGen C1850100, MONDO:0009830, OMIM 260300.

Allele frequency attached by ClinVar (database versions not stated): TOPMed 0.00008; gnomAD 0.00009; ExAC 0.00012; ESP Exome Variant Server 0.00015; gnomAD exomes 0.00015.
gnomAD v4.1: 145 of 1,613,866 alleles (0.009%); highest among the groups gnomAD compares: Non-Finnish European, 0.0019%; no homozygotes.

Submissions (2):

PreventionGenetics, part of Exact Sciences
Classification: Likely benign for FBXO7-related condition. Last evaluated: 2026-03-17. Review status: criteria provided, single submitter. Criteria: ACMG Guidelines, 2015. Collection method: clinical testing. Allele origin: germline.
Comment: This variant is classified as likely benign based on ACMG/AMP sequence variant interpretation guidelines (Richards et al. 2015 PMID: 25741868, with internal and published modifications).

Labcorp Genetics (formerly Invitae), Labcorp
Classification: Likely benign for Parkinsonian-pyramidal syndrome. Last evaluated: 2024-12-07. Review status: criteria provided, single submitter. Criteria: Invitae Variant Classification Sherloc (09022015). Collection method: clinical testing. Allele origin: germline.

NM_012179.4(FBXO7):c.319G>A (p.Ala107Thr)

Gene: FBXO7 (F-box protein 7; plus strand). Cytogenetic location: 22q12.3.
Variant type: single nucleotide variant.
Coding change: c.319G>A on transcript NM_012179.4 (MANE Select); coding-DNA position 319, G replaced by A.
Protein change: p.Ala107Thr; replaces alanine 107 with threonine.
Molecular consequence: missense variant. On other transcripts: 5 prime UTR variant (1).
Genome position (GRCh38, 1-based): chr22:32,479,177, G>A. VCF-style: chr22-32479177-G-A. GRCh37 (hg19) VCF-style: chr22-32875164-G-A.
Other names: c.82G>A, p.Ala28Thr (NM_001033024.2); c.-24G>A (NM_001257990.2); short protein forms A28T, A107T.
Identifiers: ClinVar variation 716472 (VCV000716472.9), dbSNP rs138222812, ClinGen allele CA10201396.
Genomic context (GRCh38, chr22:32,479,177, plus strand): 5'-ATACCTTCATCCACAGATTCAGAGCATTCTTCACTCCAGAATAATGAGCAACCCTCTTTG[G>A]CCACCAGCTCCAATCAGACTAGCATGCAGGATGAACAACCAAGTGATTCATTCCAAGGAC-3'
Protein context (NP_036311.3, residues 97-117): SLQNNEQPSL[Ala107Thr]TSSNQTSMQD